The following is an entry in ClinVar:

NM_001042492.3(NF1):c.2189A>C (p.Asn730Thr)

Gene: NF1 (neurofibromin 1; plus strand). Cytogenetic location: 17q11.2.
Variant type: single nucleotide variant.
Coding change: c.2189A>C on transcript NM_001042492.3 (MANE Select); coding-DNA position 2189, A replaced by C.
Protein change: p.Asn730Thr; replaces asparagine 730 with threonine.
Molecular consequence: missense variant.
Genome position (GRCh38, 1-based): chr17:31,226,622, A>C. VCF-style: chr17-31226622-A-C. GRCh37 (hg19) VCF-style: chr17-29553640-A-C.
Other names: c.2189A>C, p.Asn730Thr (NM_000267.4); short protein forms N730T.
Identifiers: ClinVar variation 457568 (VCV000457568.15), dbSNP rs778033578, ClinGen allele CA8485920.

ClinVar aggregate classification (germline): Conflicting classifications of pathogenicity. Review status: criteria provided, conflicting classifications (1 of 4 stars). 6 submissions from 6 submitters: Uncertain significance (4); Benign (1); Likely benign (1). Last evaluated 2026-01-27.

Conditions:
Cardiovascular phenotype. Identifiers: MedGen CN230736.
Hereditary cancer-predisposing syndrome. Also called: Hereditary Cancer Syndrome; Hereditary neoplastic syndrome; Tumor predisposition; Neoplastic Syndromes, Hereditary. Identifiers: Orphanet 140162, MedGen C0027672, MeSH D009386, MONDO:0015356.
Neurofibromatosis, type 1 (NF1). Also called: VON RECKLINGHAUSEN DISEASE; NEUROFIBROMATOSIS, TYPE I, SOMATIC; Peripheral type neurofibromatosis; Neurofibromatosis, type I. Identifiers: Orphanet 636, MedGen C0027831, MONDO:0018975, OMIM 162200. Disease mechanism: loss of function.

Allele frequency attached by ClinVar (database versions not stated): gnomAD exomes below 0.00001 and 0.00001; TOPMed below 0.00001; ExAC 0.00002.
gnomAD v4.1: 6 of 1,613,800 alleles (0.00037%); highest among the groups gnomAD compares: Non-Finnish European, 0.00051%; no homozygotes.

Submissions (6):

Labcorp Genetics (formerly Invitae), Labcorp
Classification: Benign for Neurofibromatosis, type 1. Last evaluated: 2026-01-27. Review status: criteria provided, single submitter. Criteria: Invitae Variant Classification Sherloc (09022015). Collection method: clinical testing. Allele origin: germline.

Ambry Genetics
Classification: Likely benign for Cardiovascular phenotype; Hereditary cancer-predisposing syndrome. Last evaluated: 2024-02-15. Review status: criteria provided, single submitter. Criteria: Ambry Variant Classification Scheme 2023. Collection method: clinical testing. Allele origin: germline.

Genome-Nilou Lab
Classification: Uncertain significance for Neurofibromatosis, type 1. Last evaluated: 2022-03-15. Review status: criteria provided, single submitter. Criteria: ACMG Guidelines, 2015. Collection method: clinical testing. Allele origin: germline. Affected: no.

Sema4
Classification: Uncertain significance for Hereditary cancer-predisposing syndrome. Last evaluated: 2021-04-20. Review status: criteria provided, single submitter. Criteria: Sema4 Curation Guidelines. Collection method: curation. Allele origin: germline.
Comment: The NF1 c.2189A>C (p.N730T) variant has been reported in heterozygosity in at least one individual with renal cell carcinoma, although it is unclear if the variant is of germline or somatic origin (PMID: 33547292). This variant was observed in 3/113360 chromosomes in the European (non-Finnish) population according to the Genome Aggregation Database (PMID: 32461654) and has been reported in ClinVar (Variation ID: 457568). In silico tools suggest the impact of the variant on protein function is benign, though these predictions have not been confirmed by functional studies. Based on the current evidence available, this variant is interpreted as a variant of uncertain significance.

Women's Health and Genetics/Laboratory Corporation of America, LabCorp
Classification: Uncertain significance. Last evaluated: 2020-05-07. Review status: criteria provided, single submitter. Criteria: LabCorp Variant Classification Summary - May 2015. Collection method: clinical testing. Allele origin: germline.
Comment: Variant summary: NF1 c.2189A>C (p.Asn730Thr) results in a non-conservative amino acid change in the encoded protein sequence. Three of five in-silico tools predict a benign effect of the variant on protein function. The variant allele was found at a frequency of 1.2e-05 in 251058 control chromosomes (gnomAD). The available data on variant occurrences in the general population are insufficient to allow any conclusion about variant significance. To our knowledge, no occurrence of c.2189A>C in individuals affected with Neurofibromatosis Type 1 and no experimental evidence demonstrating its impact on protein function have been reported. Two ClinVar submitters (evaluation after 2014) cite the variant as uncertain significance. Based on the evidence outlined above, the variant was classified as uncertain significance.

GeneDx
Classification: Uncertain significance. Last evaluated: 2019-05-23. Review status: criteria provided, single submitter. Criteria: GeneDx Variant Classification Process June 2021. Collection method: clinical testing. Allele origin: germline. Affected: yes.
Comment: Has not been previously published as pathogenic or benign to our knowledge